The following is an entry in ClinVar:

NM_005529.7(HSPG2):c.4459G>A (p.Asp1487Asn)

Gene: HSPG2 (heparan sulfate proteoglycan 2; minus strand). Cytogenetic location: 1p36.12.
Variant type: single nucleotide variant.
Coding change: c.4459G>A on transcript NM_005529.7 (MANE Select); coding-DNA position 4459, G replaced by A.
Protein change: p.Asp1487Asn; replaces aspartic acid 1487 with asparagine.
Molecular consequence: missense variant.
Genome position (GRCh38, 1-based): chr1:21,865,010, C>T on the plus strand (G>A on the coding strand, the complement: HSPG2 is on the minus strand). VCF-style: chr1-21865010-C-T. GRCh37 (hg19) VCF-style: chr1-22191503-C-T.
Other names: c.4462G>A, p.Asp1488Asn (NM_001291860.2); short protein forms D1488N, D1487N.
Identifiers: ClinVar variation 1980682 (VCV001980682.5), dbSNP rs562026042, ClinGen allele CA672265.

ClinVar aggregate classification (germline): Uncertain significance. Review status: criteria provided, multiple submitters, no conflicts (2 of 4 stars). 2 submissions from 2 submitters: Uncertain significance (2). Last evaluated 2026-02-01.

Allele frequency attached by ClinVar (database versions not stated): gnomAD exomes 0.00001; gnomAD 0.00003; TOPMed 0.00003; ExAC 0.00017; 1000 Genomes Project 0.00060; 1000 Genomes Project 30x 0.00062.
gnomAD v4.1: 19 of 1,578,450 alleles (0.0012%); highest among the groups gnomAD compares: East Asian, 0.021%; no homozygotes.

Submissions (2):

CeGaT Center for Human Genetics Tuebingen
Classification: Uncertain significance. Last evaluated: 2026-02-01. Review status: criteria provided, single submitter. Criteria: CeGaT Center For Human Genetics Tuebingen Variant Classification Criteria Version 2. Collection method: clinical testing. Allele origin: germline. Affected: yes. Observed: 1 variant allele.
Comment: HSPG2: PM2

Labcorp Genetics (formerly Invitae), Labcorp
Classification: Uncertain significance. Last evaluated: 2022-08-16. Review status: criteria provided, single submitter. Criteria: Invitae Variant Classification Sherloc (09022015). Collection method: clinical testing. Allele origin: germline.
Comment: This sequence change replaces aspartic acid, which is acidic and polar, with asparagine, which is neutral and polar, at codon 1487 of the HSPG2 protein (p.Asp1487Asn). This variant is present in population databases (rs562026042, gnomAD 0.06%). This variant has not been reported in the literature in individuals affected with HSPG2-related conditions. Algorithms developed to predict the effect of missense changes on protein structure and function are either unavailable or do not agree on the potential impact of this missense change (SIFT: "Deleterious"; PolyPhen-2: "Probably Damaging"; Align-GVGD: "Class C0"). In summary, the available evidence is currently insufficient to determine the role of this variant in disease. Therefore, it has been classified as a Variant of Uncertain Significance.